The following is an entry in ClinVar:

ClinVar aggregate classification (germline): Uncertain significance (1 of 4 stars; one submission).

gnomAD v4.1: 41 of 1,594,038 alleles (0.0026%); highest among the groups gnomAD compares: Non-Finnish European, 0.0032%; no homozygotes.

Submission:

GeneDx
Classification: Uncertain significance. Last evaluated: 2023-05-30. Review status: criteria provided, single submitter. Criteria: GeneDx Variant Classification Process June 2021. Collection method: clinical testing. Allele origin: germline. Affected: yes.
Comment: Not observed at significant frequency in large population cohorts (gnomAD); In silico analysis supports that this missense variant does not alter protein structure/function; Has not been previously published as pathogenic or benign to our knowledge

NM_001009944.3(PKD1):c.3622G>A (p.Val1208Ile)

Gene: PKD1 (polycystin 1, transient receptor potential channel interacting; minus strand). Cytogenetic location: 16p13.3.
Variant type: single nucleotide variant.
Coding change: c.3622G>A on transcript NM_001009944.3 (MANE Select); coding-DNA position 3622, G replaced by A.
Protein change: p.Val1208Ile; replaces valine 1208 with isoleucine.
Molecular consequence: missense variant.
Genome position (GRCh38, 1-based): chr16:2,111,545, C>T on the plus strand (G>A on the coding strand, the complement: PKD1 is on the minus strand). VCF-style: chr16-2111545-C-T. GRCh37 (hg19) VCF-style: chr16-2161546-C-T.
Other names: c.3622G>A, p.Val1208Ile (NM_000296.4); short protein forms V1208I.
Identifiers: ClinVar variation 3362009 (VCV003362009.1).